The following is an entry in ClinVar:

ClinVar aggregate classification (germline): Benign. Review status: criteria provided, single submitter (1 of 4 stars). 2 submissions from 2 submitters: Benign (1). 1 of the submissions does not count toward it. Last evaluated 2025-08-21.

Conditions:
PHIP-related disorder. Also called: PHIP-related condition; PHIP-related disorders.

gnomAD v4.1: 30 of 1,599,354 alleles (0.0019%); highest among the groups gnomAD compares: Admixed American, 0.017%; 1 homozygote.

Submissions (2):

Labcorp Genetics (formerly Invitae), Labcorp
Classification: Benign. Last evaluated: 2025-08-21. Review status: criteria provided, single submitter. Criteria: Invitae Variant Classification Sherloc (09022015). Collection method: clinical testing. Allele origin: germline.

PreventionGenetics, part of Exact Sciences
Classification: Likely benign for PHIP-related condition. Last evaluated: 2021-06-22. Review status: no assertion criteria provided. Collection method: clinical testing. Allele origin: germline. Not counted in ClinVar's aggregate classification.
Comment: This variant is classified as likely benign based on ACMG/AMP sequence variant interpretation guidelines (Richards et al. 2015 PMID: 25741868, with internal and published modifications).

NM_017934.7(PHIP):c.601-4T>G

Gene: PHIP (PHIP subunit of CUL4-Ring ligase complex; minus strand). Cytogenetic location: 6q14.1.
Variant type: single nucleotide variant.
Coding change: c.601-4T>G on transcript NM_017934.7 (MANE Select); 4 bases into the intron before coding-DNA position 601, T replaced by G.
Molecular consequence: intron variant.
Genome position (GRCh38, 1-based): chr6:79,026,168, A>C on the plus strand (T>G on the coding strand, the complement: PHIP is on the minus strand). VCF-style: chr6-79026168-A-C. GRCh37 (hg19) VCF-style: chr6-79735885-A-C.
Other names: c.601-4T>G (NM_017934.6).
Identifiers: ClinVar variation 2722847 (VCV002722847.5), dbSNP rs202141638, ClinGen allele CA3900331.